The following is an entry in ClinVar:

ClinVar aggregate classification (germline): Likely pathogenic (1 of 4 stars; one submission).

Conditions:
Cystic fibrosis (CF). Also called: MUCOVISCIDOSIS. Identifiers: Orphanet 586, MedGen C0010674, MONDO:0009061, OMIM 219700. Disease mechanism: loss of function.

Submission:

Myriad Genetics, Inc.
Classification: Likely pathogenic for Cystic fibrosis. Last evaluated: 2022-02-28. Review status: criteria provided, single submitter. Criteria: Myriad Women's Health Autosomal Recessive and X-Linked Classification Criteria (2021). Collection method: clinical testing. Allele origin: unknown.
Comment: NM_000492.3(CFTR):c.3357_3359delTTTinsA(L1120Nfs*35) is expected to be pathogenic in the context of cystic fibrosis. This variant is predicted to lead to an abnormal or absent protein product due to the creation of a premature termination codon in CFTR, a gene where loss-of-function variants are known to be pathogenic. Please note: this variant was assessed in the context of healthy population screening.

NM_000492.4(CFTR):c.3357_3359delinsA (p.Leu1120fs)

Genes: CFTR (CF transmembrane conductance regulator; plus strand), CFTR-AS2 (CFTR antisense RNA 2; minus strand), LOC111674472 (DNase I hypersensitive sites in introns 16 and 17a of CFTR; plus strand). Cytogenetic location: 7q31.2.
Variant type: Indel.
Coding change: c.3357_3359delinsA on transcript NM_000492.4 (MANE Select); coding-DNA positions 3357 to 3359, TTT replaced by A.
Protein change: p.Leu1120fs; shifts the reading frame from leucine 1120.
Molecular consequence: frameshift variant.
Genome position (GRCh38, 1-based): chr7:117,611,798-117,611,800, TTT replaced by A. VCF-style: chr7-117611798-TTT-A. GRCh37 (hg19) VCF-style: chr7-117251852-TTT-A.
Other names: short protein forms L1120fs.
Identifiers: ClinVar variation 1724812 (VCV001724812.2), dbSNP rs2485130688, ClinGen allele CA2580076390.